The following is an entry in ClinVar:

NM_000701.8(ATP1A1):c.2118A>G (p.Gln706=)

Genes: ATP1A1 (ATPase Na+/K+ transporting subunit alpha 1; plus strand), ATP1A1-AS1 (ATP1A1 antisense RNA 1; minus strand). Cytogenetic location: 1p13.1.
Variant type: single nucleotide variant.
Coding change: c.2118A>G on transcript NM_000701.8 (MANE Select); coding-DNA position 2118, A replaced by G.
Protein change: p.Gln706=; no amino-acid change (glutamine 706 retained).
Molecular consequence: synonymous variant.
Genome position (GRCh38, 1-based): chr1:116,398,032, A>G. VCF-style: chr1-116398032-A-G. GRCh37 (hg19) VCF-style: chr1-116940654-A-G.
Other names: c.2118A>G (NM_000701.7); c.2118A>G, p.Gln706= (NM_001160233.2); c.2025A>G, p.Gln675= (NM_001160234.2).
Identifiers: ClinVar variation 3001885 (VCV003001885.4), dbSNP rs760179843, ClinGen allele CA1025469.
Genomic context (GRCh38, chr1:116,398,032, plus strand): 5'-TGAGATAGTGTTTGCCAGGACCTCCCCTCAGCAGAAGCTCATCATTGTGGAAGGCTGCCA[A>G]AGACAGGTCAGCCAGCACAAGGATCAGGCTGCTTTGGGCACTATTGGCTTTAGGGATTGG-3'
Protein context (NP_000692.2, residues 696-716): QQKLIIVEGC[Gln706=]RQGAIVAVTG

ClinVar aggregate classification (germline): Likely benign. Review status: criteria provided, multiple submitters, no conflicts (2 of 4 stars). 2 submissions from 2 submitters: Likely benign (2). Last evaluated 2026-07-19.

Conditions:
ATP1A1-related disorder. Also called: ATP1A1-related condition.

Allele frequency attached by ClinVar (database versions not stated): gnomAD exomes below 0.00001; TOPMed below 0.00001; ExAC 0.00002.
gnomAD v4.1: 5 of 1,613,948 alleles (0.00031%); highest among the groups gnomAD compares: South Asian, 0.0033%; no homozygotes.

Submissions (2):

PreventionGenetics, part of Exact Sciences
Classification: Likely benign for ATP1A1-related condition. Last evaluated: 2026-07-19. Review status: criteria provided, single submitter. Criteria: ACMG Guidelines, 2015. Collection method: clinical testing. Allele origin: germline.
Comment: This variant is classified as likely benign based on ACMG/AMP sequence variant interpretation guidelines (Richards et al. 2015 PMID: 25741868, with internal and published modifications).

Labcorp Genetics (formerly Invitae), Labcorp
Classification: Likely benign. Last evaluated: 2023-09-22. Review status: criteria provided, single submitter. Criteria: Invitae Variant Classification Sherloc (09022015). Collection method: clinical testing. Allele origin: germline.